The following is an entry in ClinVar:

NM_004456.5(EZH2):c.1181G>C (p.Gly394Ala)

Gene: EZH2 (enhancer of zeste 2 polycomb repressive complex 2 subunit; minus strand). Cytogenetic location: 7q36.1.
Variant type: single nucleotide variant.
Coding change: c.1181G>C on transcript NM_004456.5 (MANE Select); coding-DNA position 1181, G replaced by C.
Protein change: p.Gly394Ala; replaces glycine 394 with alanine.
Molecular consequence: missense variant.
Genome position (GRCh38, 1-based): chr7:148,817,936, C>G on the plus strand (G>C on the coding strand, the complement: EZH2 is on the minus strand). VCF-style: chr7-148817936-C-G. GRCh37 (hg19) VCF-style: chr7-148515028-C-G.
Other names: c.1166G>C, p.Gly389Ala (NM_001203247.2); c.1139G>C, p.Gly380Ala (NM_001203248.2, NM_001203249.2); c.1049G>C, p.Gly350Ala (NM_152998.3); c.1181G>C (NM_004456.4); short protein forms G394A, G350A, G389A, G380A.
Identifiers: ClinVar variation 134227 (VCV000134227.5), dbSNP rs587778305, ClinGen allele CA159204.

ClinVar aggregate classification (germline): Uncertain significance. Review status: criteria provided, multiple submitters, no conflicts (2 of 4 stars). 3 submissions from 3 submitters: Uncertain significance (2). 1 of the submissions does not count toward it. Last evaluated 2025-10-17.

Conditions:
Inborn genetic diseases. Identifiers: MedGen C0950123, MeSH D030342.
Weaver syndrome (WVS). Also called: Weaver Smith syndrome; Overgrowth syndrome with accelerated skeletal maturation, unusual facies, and camptodactyly. Identifiers: Orphanet 3447, MedGen C0265210, MONDO:0010193, OMIM 277590.

Allele frequency attached by ClinVar (database versions not stated): gnomAD exomes below 0.00001.
gnomAD v4.1: 5 of 1,614,176 alleles (0.00031%); highest among the groups gnomAD compares: Non-Finnish European, 0.00042%; no homozygotes.

Submissions (3):

Ambry Genetics
Classification: Uncertain significance for Inborn genetic diseases. Last evaluated: 2025-10-17. Review status: criteria provided, single submitter. Criteria: Ambry Variant Classification Scheme 2023. Collection method: clinical testing. Allele origin: germline.

Labcorp Genetics (formerly Invitae), Labcorp
Classification: Uncertain significance for Weaver syndrome. Last evaluated: 2023-05-27. Review status: criteria provided, single submitter. Criteria: Invitae Variant Classification Sherloc (09022015). Collection method: clinical testing. Allele origin: germline.
Comment: In summary, the available evidence is currently insufficient to determine the role of this variant in disease. Therefore, it has been classified as a Variant of Uncertain Significance. An algorithm developed to predict the effect of missense changes on protein structure and function (PolyPhen-2) suggests that this variant is likely to be tolerated. ClinVar contains an entry for this variant (Variation ID: 134227). This variant has not been reported in the literature in individuals affected with EZH2-related conditions. This variant is not present in population databases (gnomAD no frequency). This sequence change replaces glycine, which is neutral and non-polar, with alanine, which is neutral and non-polar, at codon 394 of the EZH2 protein (p.Gly394Ala).

ITMI
No classification provided. Condition: AllHighlyPenetrant. Last evaluated: 2013-09-19. Review status: no classification provided. Collection method: reference population. Allele origin: germline. Not counted in ClinVar's aggregate classification.
Comment: Please see associated publication for description of ethnicities

Literature cited by the submitters: PubMed 24728327 (cited by ITMI).